The following is an entry in ClinVar:

NM_000284.4(PDHA1):c.832-1G>A

Gene: PDHA1 (pyruvate dehydrogenase E1 subunit alpha 1; plus strand). Cytogenetic location: Xp22.12.
Variant type: single nucleotide variant.
Coding change: c.832-1G>A on transcript NM_000284.4 (MANE Select); the canonical splice acceptor site of the intron before coding-DNA position 832, G replaced by A.
Molecular consequence: splice acceptor variant.
Genome position (GRCh38, 1-based): chrX:19,357,651, G>A. VCF-style: chrX-19357651-G-A. GRCh37 (hg19) VCF-style: chrX-19375769-G-A.
Other names: NC_000023.10:g.19375769G>A; c.946-1G>A (NM_001173454.2); c.853-1G>A (NM_001173455.2); c.739-1G>A (NM_001173456.2).
Identifiers: ClinVar variation 522146 (VCV000522146.6), dbSNP rs1555934843, ClinGen allele CA412395131.

ClinVar aggregate classification (germline): Pathogenic (1 of 4 stars; one submission).

Conditions:
Inborn genetic diseases. Identifiers: MedGen C0950123, MeSH D030342.

Allele frequency attached by ClinVar (database versions not stated): gnomAD exomes below 0.00001.
gnomAD v4.1: 1 of 1,207,659 alleles (0.000083%); highest among the groups gnomAD compares: Non-Finnish European, 0.00011%; no homozygotes.

Submissions (2):

Ambry Genetics
Classification: Pathogenic for Inborn genetic diseases. Last evaluated: 2026-07-10. Review status: criteria provided, single submitter. Criteria: Ambry Variant Classification Scheme 2023. Collection method: clinical testing. Allele origin: germline.
Comment: The c.832-1G>A intronic variant consists of a G to A substitution one nucleotide(s) before exon 9 (coding exon 9) of the PDHA1 gene. Variants that disrupt the canonical splice site are expected to cause aberrant splicing, resulting in an abnormal protein or a transcript that is subject to nonsense-mediated mRNA decay. This variant was not reported in population-based cohorts in the Genome Aggregation Database (gnomAD). This nucleotide position is highly conserved in available vertebrate species. In silico splice site analysis predicts that this variant will weaken the native splice acceptor site and will result in the creation or strengthening of a novel splice acceptor site. Based on the available evidence, this alteration is classified as pathogenic.

Dr. Peter K. Rogan Lab, Western University
No classification provided (evidence only). Condition: Thyroid cancer, nonmedullary, 1. Review status: no classification provided. Collection method: in vitro. Allele origin: not applicable. Functional consequence: cryptic splice site. Not counted in ClinVar's aggregate classification.